The following is an entry in ClinVar:

NM_175914.5(HNF4A):c.*1078G>A

Gene: HNF4A (hepatocyte nuclear factor 4 alpha; plus strand). Cytogenetic location: 20q13.12.
Variant type: single nucleotide variant.
Coding change: c.*1078G>A on transcript NM_175914.5 (MANE Select); 1078 bases downstream of the stop codon, G replaced by A.
Molecular consequence: 3 prime UTR variant.
Genome position (GRCh38, 1-based): chr20:44,430,743, G>A. VCF-style: chr20-44430743-G-A. GRCh37 (hg19) VCF-style: chr20-43059383-G-A.
Other names: c.*1078G>A (NM_000457.6, NM_001030003.3, NM_001258355.2 and 3 more transcripts).
Identifiers: ClinVar variation 338453 (VCV000338453.6), dbSNP rs573432571, ClinGen allele CA10649742.

ClinVar aggregate classification (germline): Conflicting classifications of pathogenicity. Review status: criteria provided, conflicting classifications (1 of 4 stars). 3 submissions from 2 submitters: Uncertain significance (1); Benign (1); Likely benign (1). Last evaluated 2018-01-13.

Conditions:
Familial hyperinsulinism. Also called: Congenital hyperinsulinism. Identifiers: Orphanet 276525, MedGen C3888018, MONDO:0017182. Disease mechanism: loss of function.
Maturity-onset diabetes of the young type 1. Also called: MILD JUVENILE DIABETES MELLITUS; MODY, type I; MODY type 1; Diabetes mellitus MODY type 1; MODY HNF4A related; HNF4A-Related Maturity-Onset Diabetes of the Young Type 1. Identifiers: Orphanet 552, MedGen C1852093, MONDO:0007452, OMIM 125850. Disease mechanism: loss of function.
Maturity-onset diabetes of the young (MODY). Also called: Maturity onset diabetes mellitus in young. Identifiers: Orphanet 552, MedGen C0342276, MONDO:0018911, HP:0004904.

Allele frequency attached by ClinVar (database versions not stated): 1000 Genomes Project 0.00120; 1000 Genomes Project 30x 0.00156; TOPMed 0.00230; gnomAD 0.00233 and 0.00239.

Submissions (3):

Illumina Laboratory Services, Illumina
Classification: Uncertain significance for Familial hyperinsulinism. Last evaluated: 2018-01-13. Review status: criteria provided, single submitter. Criteria: ICSL Variant Classification Criteria 13 December 2019. Collection method: clinical testing. Allele origin: germline.

Illumina Laboratory Services, Illumina
Classification: Likely benign for Maturity-onset diabetes of the young type 1. Last evaluated: 2018-01-13. Review status: criteria provided, single submitter. Criteria: ICSL Variant Classification Criteria 13 December 2019. Collection method: clinical testing. Allele origin: germline.
Comment: This variant was observed in the ICSL laboratory as part of a predisposition screen in an ostensibly healthy population. It had not been previously curated by ICSL or reported in the Human Gene Mutation Database (HGMD: prior to June 1st, 2018), and was therefore a candidate for classification through an automated scoring system. Utilizing variant allele frequency, disease prevalence and penetrance estimates, and inheritance mode, an automated score was calculated to assess if this variant is too frequent to cause the disease. Based on the score and internal cut-off values, a variant classified as likely benign is not then subjected to further curation. The score for this variant resulted in a classification of likely benign for this disease.

Clinical Genomics, Uppaluri K&H Personalized Medicine Clinic
Classification: Benign for Maturity-onset diabetes of the young. Review status: criteria provided, single submitter. Criteria: K & H Uppaluri Personalized Medicine Clinic Variant Classification & Assertion Criteria_Updated V.1. Collection method: research. Allele origin: unknown. Inheritance: Autosomal dominant inheritance.
Comment: Potent mutations in HNF4A are associated with poor insulin secretion in response to hyperglycemia. Associated with MODY1. Patients initially respond well to sulfonylureas but eventually become insulin dependent. However, more evidence is required to ascertain the role of this particular variant rs573432571 in MODY, yet.

Literature cited by the submitters: DOI 10.1159/000334532 (cited by Clinical Genomics, Uppaluri K&H Personalized Medicine Clinic); PubMed 18268044 (cited by Clinical Genomics, Uppaluri K&H Personalized Medicine Clinic); PubMed 17563455 (cited by Clinical Genomics, Uppaluri K&H Personalized Medicine Clinic); PubMed 32583173 (cited by Clinical Genomics, Uppaluri K&H Personalized Medicine Clinic); PubMed 35052457 (cited by Clinical Genomics, Uppaluri K&H Personalized Medicine Clinic); PubMed 35118593 (cited by Clinical Genomics, Uppaluri K&H Personalized Medicine Clinic).